The following is an entry in ClinVar:

NM_022835.3(PLEKHG2):c.3410A>T (p.Asp1137Val)

Gene: PLEKHG2 (pleckstrin homology and RhoGEF domain containing G2; plus strand). Cytogenetic location: 19q13.2.
Variant type: single nucleotide variant.
Coding change: c.3410A>T on transcript NM_022835.3 (MANE Select); coding-DNA position 3410, A replaced by T.
Protein change: p.Asp1137Val; replaces aspartic acid 1137 with valine.
Molecular consequence: missense variant. On other transcripts: intron variant (1).
Genome position (GRCh38, 1-based): chr19:39,424,543, A>T. VCF-style: chr19-39424543-A-T. GRCh37 (hg19) VCF-style: chr19-39915183-A-T.
Other names: c.3233A>T, p.Asp1078Val (NM_001351693.2); c.1678-695A>T (NM_001351694.2); short protein forms D1078V, D1137V.
Identifiers: ClinVar variation 4874424 (VCV004874424.2).

ClinVar aggregate classification (germline): Uncertain significance (1 of 4 stars; one submission).

gnomAD v4.1: 1 of 1,613,954 alleles (0.000062%); highest among the groups gnomAD compares: East Asian, 0.0022%; no homozygotes.

Submission:

CeGaT Center for Human Genetics Tuebingen
Classification: Uncertain significance. Last evaluated: 2026-02-01. Review status: criteria provided, single submitter. Criteria: CeGaT Center For Human Genetics Tuebingen Variant Classification Criteria Version 2. Collection method: clinical testing. Allele origin: germline. Affected: yes. Observed: 1 variant allele.
Comment: PLEKHG2: PM2, BP4